The following is an entry in ClinVar:

ClinVar aggregate classification (germline): Uncertain significance (1 of 4 stars; one submission).

Conditions:
Hereditary spastic paraplegia 48. Also called: Spastic paraplegia 48; SPASTIC PARAPLEGIA 48, AUTOSOMAL RECESSIVE. Identifiers: Orphanet 306511, MedGen C3150901, MONDO:0013342, OMIM 613647.

Allele frequency attached by ClinVar (database versions not stated): gnomAD 0.00003 and 0.00004; TOPMed 0.00003; gnomAD exomes 0.00005; ExAC 0.00008.

Submission:

Labcorp Genetics (formerly Invitae), Labcorp
Classification: Uncertain significance for Hereditary spastic paraplegia 48. Last evaluated: 2024-10-29. Review status: criteria provided, single submitter. Criteria: Invitae Variant Classification Sherloc (09022015). Collection method: clinical testing. Allele origin: germline.
Comment: This sequence change replaces threonine, which is neutral and polar, with methionine, which is neutral and non-polar, at codon 613 of the AP5Z1 protein (p.Thr613Met). This variant is present in population databases (rs766057998, gnomAD 0.009%). This variant has not been reported in the literature in individuals affected with AP5Z1-related conditions. ClinVar contains an entry for this variant (Variation ID: 963109). Invitae Evidence Modeling of protein sequence and biophysical properties (such as structural, functional, and spatial information, amino acid conservation, physicochemical variation, residue mobility, and thermodynamic stability) indicates that this missense variant is not expected to disrupt AP5Z1 protein function with a negative predictive value of 80%. In summary, the available evidence is currently insufficient to determine the role of this variant in disease. Therefore, it has been classified as a Variant of Uncertain Significance.

NM_014855.3(AP5Z1):c.1838C>T (p.Thr613Met)

Gene: AP5Z1 (adaptor related protein complex 5 subunit zeta 1; plus strand). Cytogenetic location: 7p22.1.
Variant type: single nucleotide variant.
Coding change: c.1838C>T on transcript NM_014855.3 (MANE Select); coding-DNA position 1838, C replaced by T.
Protein change: p.Thr613Met; replaces threonine 613 with methionine.
Molecular consequence: missense variant. On other transcripts: non-coding transcript variant (1).
Genome position (GRCh38, 1-based): chr7:4,790,491, C>T. VCF-style: chr7-4790491-C-T. GRCh37 (hg19) VCF-style: chr7-4830122-C-T.
Other names: c.1370C>T, p.Thr457Met (NM_001364858.1); short protein forms T457M, T613M.
Identifiers: ClinVar variation 963109 (VCV000963109.6), dbSNP rs766057998, ClinGen allele CA4138152.